The following is an entry in ClinVar:

ClinVar aggregate classification (germline): Likely pathogenic (1 of 4 stars; one submission).

Conditions:
Choroideremia. Also called: Chorioretinal scalloped atrophy. Identifiers: Orphanet 180, MedGen C0008525, MONDO:0010557, OMIM 303100, HP:0001139.

Submission:

Laboratory of Medical Genetics, National & Kapodistrian University of Athens
Classification: Likely pathogenic for Choroideremia. Last evaluated: 2023-04-26. Review status: criteria provided, single submitter. Criteria: ACMG Guidelines, 2015. Collection method: clinical testing. Allele origin: germline. Affected: yes.
Comment: PVS1, PM2

NM_000390.4(CHM):c.453dup (p.Glu152Ter)

Genes: CHM (CHM Rab escort protein; minus strand), LOC129391306 (MPRA-validated peak7401 silencer; plus strand). Cytogenetic location: Xq21.2.
Variant type: Duplication.
Coding change: c.453dup on transcript NM_000390.4 (MANE Select); coding-DNA position 453, one base duplicated (T; older notation c.453dupT).
Protein change: p.Glu152Ter; replaces glutamic acid 152 with a stop codon.
Molecular consequence: nonsense.
Genome position (GRCh38, 1-based): chrX:85,963,914, A duplicated on the plus strand (T on the coding strand, the reverse complement: CHM is on the minus strand). VCF-style (leftmost placement, unchanged base first): chrX-85963913-C-CA. GRCh37 (hg19) VCF-style: chrX-85218918-C-CA.
Other names: c.9dup, p.Glu4Ter (NM_001362519.1, NM_001320959.1, NM_001362517.1 and 1 more transcripts); short protein forms E152*, E4*.
Identifiers: ClinVar variation 2572605 (VCV002572605.1), dbSNP rs2520273128, ClinGen allele CA2580612438.
Genomic context (GRCh38, chrX:85,963,913, plus strand): 5'-CACCATTTACTTCTAGCGCATTCTCTGGATCGCTGCTTGGAGTTTGTTCTGTGAGCATTT[C>CA]ACAGCTCATAGTGCTTAATGACTCATCCTCCGTAGGCAGGAAGGCAGAATCTGCAGCTTC-3'